The following is an entry in ClinVar:

ClinVar aggregate classification (germline): Uncertain significance (1 of 4 stars; one submission).

gnomAD v4.1: 2 of 1,613,340 alleles (0.00012%); highest among the groups gnomAD compares: Non-Finnish European, 0.00017%; no homozygotes.

Submission:

Ambry Genetics
Classification: Uncertain significance. Last evaluated: 2024-03-16. Review status: criteria provided, single submitter. Criteria: Ambry Variant Classification Scheme 2023. Collection method: clinical testing. Allele origin: germline.
Comment: The p.M207V variant (also known as c.619A>G), located in coding exon 7 of the BUB1 gene, results from an A to G substitution at nucleotide position 619. The methionine at codon 207 is replaced by valine, an amino acid with highly similar properties. This amino acid position is conserved. In addition, this alteration is predicted to be tolerated by in silico analysis. Based on the available evidence, the clinical significance of this alteration remains unclear.

NM_004336.5(BUB1):c.619A>G (p.Met207Val)

Gene: BUB1 (BUB1 mitotic checkpoint serine/threonine kinase; minus strand). Cytogenetic location: 2q13.
Variant type: single nucleotide variant.
Coding change: c.619A>G on transcript NM_004336.5 (MANE Select); coding-DNA position 619, A replaced by G.
Protein change: p.Met207Val; replaces methionine 207 with valine.
Molecular consequence: missense variant.
Genome position (GRCh38, 1-based): chr2:110,667,798, T>C on the plus strand (A>G on the coding strand, the complement: BUB1 is on the minus strand). VCF-style: chr2-110667798-T-C. GRCh37 (hg19) VCF-style: chr2-111425375-T-C.
Other names: c.559A>G, p.Met187Val (NM_001278616.2); c.619A>G, p.Met207Val (NM_001278617.2); short protein forms M187V, M207V.
Identifiers: ClinVar variation 3262117 (VCV003262117.1).